The following is an entry in ClinVar:

NM_000038.6(APC):c.7757G>T (p.Ser2586Ile)

Gene: APC (APC regulator of Wnt signaling pathway; plus strand). Cytogenetic location: 5q22.2.
Variant type: single nucleotide variant.
Coding change: c.7757G>T on transcript NM_000038.6 (MANE Select); coding-DNA position 7757, G replaced by T.
Protein change: p.Ser2586Ile; replaces serine 2586 with isoleucine.
Molecular consequence: missense variant.
Genome position (GRCh38, 1-based): chr5:112,843,351, G>T. VCF-style: chr5-112843351-G-T. GRCh37 (hg19) VCF-style: chr5-112179048-G-T.
Other names: c.7757G>T, p.Ser2586Ile (NM_001127510.3, NM_001354895.2); c.7703G>T, p.Ser2568Ile (NM_001127511.3); c.7811G>T, p.Ser2604Ile (NM_001354896.2); c.7787G>T, p.Ser2596Ile (NM_001354897.2); c.7682G>T, p.Ser2561Ile (NM_001354898.2); c.7673G>T, p.Ser2558Ile (NM_001354899.2); c.7634G>T, p.Ser2545Ile (NM_001354900.2); c.7580G>T, p.Ser2527Ile (NM_001354901.2); and 5 more; short protein forms S2586I, S2568I, S2303I, S2495I, S2545I, S2527I, S2596I, S2426I.
Identifiers: ClinVar variation 41537 (VCV000041537.16), dbSNP rs199806334, ClinGen allele CA014009.
Genomic context (GRCh38, chr5:112,843,351, plus strand): 5'-GAACTGGAAGTTCATCTTCAATTCTTTCTGCTTCATCAGAATCCAGTGAAAAAGCAAAAA[G>T]TGAGGATGAAAAACATGTGAACTCTATTTCAGGAACCAAACAAAGTAAAGAAAACCAAGT-3'
Protein context (NP_000029.2, residues 2576-2596): ASSESSEKAK[Ser2586Ile]EDEKHVNSIS

ClinVar aggregate classification (germline): Uncertain significance. Review status: criteria provided, multiple submitters, no conflicts (2 of 4 stars). 5 submissions from 5 submitters: Uncertain significance (4). 1 of the submissions does not count toward it. Last evaluated 2025-07-30.

Conditions:
Hepatocellular carcinoma (HCC). Also called: Primary carcinoma of liver; HEPATOMA; LIVER CELL CARCINOMA. Identifiers: Orphanet 88673, MedGen C2239176, MONDO:0007256, OMIM 114550, HP:0001402.
Desmoid disease, hereditary (DESMD). Also called: FIBROMATOSIS, FAMILIAL INFILTRATIVE. Identifiers: Orphanet 873, MedGen C1851124, OMIM 135290. Disease mechanism: loss of function.
Colorectal cancer. Also called: Colorectal cancer, somatic; Malignant Colorectal Neoplasm. Identifiers: MedGen C0346629, MONDO:0005575, OMIM 114500.
Gastric cancer. Also called: Stomach cancer; Malignant tumor of stomach. Identifiers: MedGen C0024623, MeSH D013274, MONDO:0001056, OMIM 613659, HP:0012126.
Gastric adenocarcinoma and proximal polyposis of the stomach (GAPPS). Also called: POLYPOSIS, GASTRIC; Polyposis, gastric, Dos Santos and de Magalhaes 1980; Gastric Adenocarcinoma and Proximal Polyposis of the Stomach (GAPPS). Identifiers: Orphanet 314022, MedGen C4749917, MONDO:0017790, OMIM 619182.
Familial adenomatous polyposis 1 (FAP1). Also called: FAMILIAL ADENOMATOUS POLYPOSIS 1, ATTENUATED; POLYPOSIS, ADENOMATOUS INTESTINAL. Identifiers: MedGen C2713442, MONDO:0021056, OMIM 175100. Disease mechanism: loss of function.
Hereditary cancer-predisposing syndrome. Also called: Hereditary Cancer Syndrome; Tumor predisposition; Neoplastic Syndromes, Hereditary; Hereditary neoplastic syndrome. Identifiers: Orphanet 140162, MedGen C0027672, MeSH D009386, MONDO:0015356.

Allele frequency attached by ClinVar (database versions not stated): TOPMed below 0.00001.
gnomAD v4.1: 16 of 1,613,858 alleles (0.00099%); highest among the groups gnomAD compares: Non-Finnish European, 0.0014%; no homozygotes.

Submissions (5):

Labcorp Genetics (formerly Invitae), Labcorp
Classification: Uncertain significance for Familial adenomatous polyposis 1. Last evaluated: 2025-07-30. Review status: criteria provided, single submitter. Criteria: Invitae Variant Classification Sherloc (09022015). Collection method: clinical testing. Allele origin: germline.
Comment: This sequence change replaces serine, which is neutral and polar, with isoleucine, which is neutral and non-polar, at codon 2586 of the APC protein (p.Ser2586Ile). This variant is not present in population databases (gnomAD no frequency). This variant has not been reported in the literature in individuals affected with APC-related conditions. ClinVar contains an entry for this variant (Variation ID: 41537). Invitae Evidence Modeling of protein sequence and biophysical properties (such as structural, functional, and spatial information, amino acid conservation, physicochemical variation, residue mobility, and thermodynamic stability) indicates that this missense variant is not expected to disrupt APC protein function with a negative predictive value of 95%. In summary, the available evidence is currently insufficient to determine the role of this variant in disease. Therefore, it has been classified as a Variant of Uncertain Significance.

Color Diagnostics, LLC DBA Color Health
Classification: Uncertain significance for Hereditary cancer-predisposing syndrome. Last evaluated: 2024-11-26. Review status: criteria provided, single submitter. Criteria: ACMG Guidelines, 2015. Collection method: clinical testing. Allele origin: germline.
Comment: This missense variant replaces serine with isoleucine at codon 2586 of the APC protein. Computational prediction suggests that this variant may not impact protein structure and function (internally defined REVEL score threshold <= 0.5, PMID: 27666373). To our knowledge, functional studies have not been reported for this variant. This variant has not been reported in individuals affected with APC-related disorders in the literature. This variant has not been identified in the general population by the Genome Aggregation Database (gnomAD). The available evidence is insufficient to determine the role of this variant in disease conclusively. Therefore, this variant is classified as a Variant of Uncertain Significance.

Ambry Genetics
Classification: Uncertain significance for Hereditary cancer-predisposing syndrome. Last evaluated: 2024-10-11. Review status: criteria provided, single submitter. Criteria: Ambry Variant Classification Scheme 2023. Collection method: clinical testing. Allele origin: germline.
Comment: The p.S2586I variant (also known as c.7757G>T), located in coding exon 15 of the APC gene, results from a G to T substitution at nucleotide position 7757. The serine at codon 2586 is replaced by isoleucine, an amino acid with dissimilar properties. This variant was also detected as a secondary finding in 1 out of 561 ClinSeq participants unselected for personal or family history of cancer who underwent exome sequencing, however the clinical information for this particular individual was not provided (Johnston JJ et al. Am. J. Hum. Genet., 2012 Jul;91:97-108). This amino acid position is highly conserved in available vertebrate species. Missense alterations in APC are not a common cause of disease (Spier I et al. Genet Med. 2024 Feb;26(2):100992). In addition, in silico predictors for this gene do not accurately predict pathogenicity. Since supporting evidence is limited at this time, the clinical significance of this alteration remains unclear.

Fulgent Genetics
Classification: Uncertain significance for Colorectal cancer; Hepatocellular carcinoma; Desmoid disease, hereditary; Familial adenomatous polyposis 1; Gastric cancer; Gastric adenocarcinoma and proximal polyposis of the stomach. Last evaluated: 2022-04-06. Review status: criteria provided, single submitter. Criteria: ACMG Guidelines, 2015. Collection method: clinical testing. Allele origin: unknown.

Biesecker Lab/Clinical Genomics Section, National Institutes of Health
Classification: Uncertain significance. Last evaluated: 2012-07-13. Review status: no assertion criteria provided. Collection method: research. Allele origin: germline. Affected: no. Observed: 1 variant allele. Study: ClinSeq. Not counted in ClinVar's aggregate classification.
ClinVar note: Converted during submission from variant of unknown significance to Uncertain significance.